The following is an entry in ClinVar:

ClinVar aggregate classification (germline): Conflicting classifications of pathogenicity. Review status: criteria provided, conflicting classifications (1 of 4 stars). 5 submissions from 1 submitter: Uncertain significance (2); Likely benign (3). Last evaluated 2018-01-13.

Conditions:
Sulfate transporter-related osteochondrodysplasia. Also called: DTDST-related dysplasias. Identifiers: MedGen CN120497. Disease mechanism: loss of function.
Achondrogenesis, type IB (ACG1B). Also called: Achondrogenesis Type 1B. Identifiers: Orphanet 932, Orphanet 93298, MedGen C0265274, MONDO:0010966, OMIM 600972.
Atelosteogenesis type II (AO2). Also called: Neonatal osseous dysplasia 1; NEONATAL OSSEOUS DYSPLASIA I; SLC26A2-Related Atelosteogenesis. Identifiers: Orphanet 56304, MedGen C1850554, MONDO:0009727, OMIM 256050.
Diastrophic dysplasia (DTD). Also called: Diastrophic dwarfism. Identifiers: Orphanet 628, MedGen C0220726, MONDO:0009107, OMIM 222600.
Multiple epiphyseal dysplasia type 4 (EDM4). Also called: SLC26A2-Related Multiple Epiphyseal Dysplasia; MULTIPLE EPIPHYSEAL DYSPLASIA WITH BILAYERED PATELLAE; MULTIPLE EPIPHYSEAL DYSPLASIA WITH CLUBFOOT; MULTIPLE EPIPHYSEAL DYSPLASIA, AUTOSOMAL RECESSIVE; Multiple Epiphyseal Dysplasia, Recessive. Identifiers: Orphanet 93307, MedGen C1847593, MONDO:0009189, OMIM 226900.

Allele frequency attached by ClinVar (database versions not stated): gnomAD 0.00161 and 0.00169; TOPMed 0.00182; 1000 Genomes Project 30x 0.00203; 1000 Genomes Project 0.00240.

Submissions (5):

Illumina Laboratory Services, Illumina
Classification: Likely benign for Diastrophic dysplasia. Last evaluated: 2018-01-13. Review status: criteria provided, single submitter. Criteria: ICSL Variant Classification Criteria 13 December 2019. Collection method: clinical testing. Allele origin: germline.
Comment: This variant was observed in the ICSL laboratory as part of a predisposition screen in an ostensibly healthy population. It had not been previously curated by ICSL or reported in the Human Gene Mutation Database (HGMD: prior to June 1st, 2018), and was therefore a candidate for classification through an automated scoring system. Utilizing variant allele frequency, disease prevalence and penetrance estimates, and inheritance mode, an automated score was calculated to assess if this variant is too frequent to cause the disease. Based on the score and internal cut-off values, a variant classified as likely benign is not then subjected to further curation. The score for this variant resulted in a classification of likely benign for this disease.

Illumina Laboratory Services, Illumina
Classification: Likely benign for Achondrogenesis, type IB. Last evaluated: 2018-01-13. Review status: criteria provided, single submitter. Criteria: ICSL Variant Classification Criteria 13 December 2019. Collection method: clinical testing. Allele origin: germline.
Comment: the same text as in the submission from Illumina Laboratory Services, Illumina above.

Illumina Laboratory Services, Illumina
Classification: Uncertain significance for Multiple epiphyseal dysplasia type 4. Last evaluated: 2018-01-13. Review status: criteria provided, single submitter. Criteria: ICSL Variant Classification Criteria 13 December 2019. Collection method: clinical testing. Allele origin: germline.

Illumina Laboratory Services, Illumina
Classification: Likely benign for Atelosteogenesis type II. Last evaluated: 2018-01-13. Review status: criteria provided, single submitter. Criteria: ICSL Variant Classification Criteria 13 December 2019. Collection method: clinical testing. Allele origin: germline.
Comment: the same text as in the submission from Illumina Laboratory Services, Illumina above.

Illumina Laboratory Services, Illumina
Classification: Uncertain significance for Osteochondrodysplasia. Last evaluated: 2018-01-13. Review status: criteria provided, single submitter. Criteria: ICSL Variant Classification Criteria 13 December 2019. Collection method: clinical testing. Allele origin: germline.

NM_000112.4(SLC26A2):c.*4659G>T

Gene: SLC26A2 (solute carrier family 26 member 2; plus strand). Cytogenetic location: 5q32.
Variant type: single nucleotide variant.
Coding change: c.*4659G>T on transcript NM_000112.4 (MANE Select); 4659 bases downstream of the stop codon, G replaced by T.
Molecular consequence: 3 prime UTR variant.
Genome position (GRCh38, 1-based): chr5:149,986,472, G>T. VCF-style: chr5-149986472-G-T. GRCh37 (hg19) VCF-style: chr5-149366035-G-T.
Identifiers: ClinVar variation 903772 (VCV000903772.4), dbSNP rs143908264, ClinGen allele CA129086363.
Genomic context (GRCh38, chr5:149,986,472, plus strand): 5'-ACTATTGAAATACGTTAAAGGTAAATTTTTAAGGTTTAAAAAAAATTTAGTAACTTACAG[G>T]GATGGAGAATTTAGATGTCAGAGGTGGGGAGATTTATTTTTATAAGGTAATTTTTATCCT-3'